The following is an entry in ClinVar:

NM_012193.4(FZD4):c.*3700A>G

Genes: FZD4 (frizzled class receptor 4; minus strand), PRSS23 (serine protease 23; plus strand). Cytogenetic location: 11q14.2.
Variant type: single nucleotide variant.
Coding change: c.*3700A>G on transcript NM_012193.4 (MANE Select); 3700 bases downstream of the stop codon, A replaced by G.
Molecular consequence: 3 prime UTR variant.
Genome position (GRCh38, 1-based): chr11:86,947,442, T>C on the plus strand (A>G on the coding strand, the complement: FZD4 is on the minus strand). VCF-style: chr11-86947442-T-C. GRCh37 (hg19) VCF-style: chr11-86658484-T-C.
Identifiers: ClinVar variation 306358 (VCV000306358.6), dbSNP rs115341334, ClinGen allele CA10635810.

ClinVar aggregate classification (germline): Benign. Review status: criteria provided, multiple submitters, no conflicts (2 of 4 stars). 2 submissions from 2 submitters: Benign (2). Last evaluated 2018-01-13.

Conditions:
Exudative vitreoretinopathy 1 (EVR1). Also called: CRISWICK-SCHEPENS SYNDROME; FEVR, AUTOSOMAL DOMINANT; Familial exudative vitreoretinopathy, autosomal dominant. Identifiers: Orphanet 891, Orphanet 90050, MedGen C1851402, MONDO:0007589, OMIM 133780.

Allele frequency attached by ClinVar (database versions not stated): gnomAD exomes 0.00833; gnomAD 0.01592 and 0.01611; 1000 Genomes Project 30x 0.01640; 1000 Genomes Project 0.01737; TOPMed 0.01812.
gnomAD v4.1: 2,458 of 152,258 alleles (1.6%); highest among the groups gnomAD compares: South Asian, 2.7%; 25 homozygotes.

Submissions (2):

Illumina Laboratory Services, Illumina
Classification: Benign for Exudative vitreoretinopathy 1. Last evaluated: 2018-01-13. Review status: criteria provided, single submitter. Criteria: ICSL Variant Classification Criteria 13 December 2019. Collection method: clinical testing. Allele origin: germline.
Comment: This variant was observed in the ICSL laboratory as part of a predisposition screen in an ostensibly healthy population. It had not been previously curated by ICSL or reported in the Human Gene Mutation Database (HGMD: prior to June 1st, 2018), and was therefore a candidate for classification through an automated scoring system. Utilizing variant allele frequency, disease prevalence and penetrance estimates, and inheritance mode, an automated score was calculated to assess if this variant is too frequent to cause the disease. Based on the score and internal cut-off values, a variant classified as benign is not then subjected to further curation. The score for this variant resulted in a classification of benign for this disease.

Breakthrough Genomics
Classification: Benign. Review status: criteria provided, single submitter. Criteria: ACMG Guidelines, 2015. Collection method: not provided. Allele origin: germline. Inheritance: Autosomal dominant inheritance. Affected: yes.